The following is an entry in ClinVar:

NM_003072.5(SMARCA4):c.714_719del (p.229GP[7])

Gene: SMARCA4 (SWI/SNF related BAF chromatin remodeling complex subunit ATPase 4; plus strand). Cytogenetic location: 19p13.2.
Variant type: Deletion.
Coding change: c.714_719del on transcript NM_003072.5 (MANE Select); coding-DNA positions 714 to 719, 6 bases deleted (CGGCCC; older notation c.714_719delCGGCCC).
Protein change: p.229GP[7].
Molecular consequence: inframe deletion. On other transcripts: non-coding transcript variant (1).
Genome position (GRCh38, 1-based): chr19:10,986,547-10,986,552, CGGCCC deleted; deleting any 6 consecutive bases within chr19:10,986,542-10,986,552 gives the same sequence; the c. name uses the placement nearest the transcript's 3' end. VCF-style (leftmost placement, unchanged base first): chr19-10986541-TGGCCCC-T. GRCh37 (hg19) VCF-style: chr19-11097217-TGGCCCC-T.
Other names: c.714_719del, p.229GP[7] (NM_001128844.3, NM_001128845.2, NM_001128846.2 and 5 more transcripts).
Identifiers: ClinVar variation 643805 (VCV000643805.10), dbSNP rs1555753732, ClinGen allele CA915952566.

ClinVar aggregate classification (germline): Conflicting classifications of pathogenicity. Review status: criteria provided, conflicting classifications (1 of 4 stars). 2 submissions from 2 submitters: Uncertain significance (1); Likely benign (1). Last evaluated 2023-07-24.

Conditions:
Rhabdoid tumor predisposition syndrome 2 (RTPS2). Identifiers: Orphanet 231108, Orphanet 69077, MedGen C2750074, MONDO:0013224, OMIM 613325.
Hereditary cancer-predisposing syndrome. Also called: Neoplastic Syndromes, Hereditary; Tumor predisposition; Hereditary neoplastic syndrome; Hereditary Cancer Syndrome. Identifiers: Orphanet 140162, MedGen C0027672, MeSH D009386, MONDO:0015356.

Submissions (2):

Ambry Genetics
Classification: Likely benign for Hereditary cancer-predisposing syndrome. Last evaluated: 2023-07-24. Review status: criteria provided, single submitter. Criteria: Ambry Variant Classification Scheme 2023. Collection method: clinical testing. Allele origin: germline.

Labcorp Genetics (formerly Invitae), Labcorp
Classification: Uncertain significance for Rhabdoid tumor predisposition syndrome 2. Last evaluated: 2018-07-11. Review status: criteria provided, single submitter. Criteria: Invitae Variant Classification Sherloc (09022015). Collection method: clinical testing. Allele origin: germline.
Comment: In summary, the available evidence is currently insufficient to determine the role of this variant in disease. Therefore, it has been classified as a Variant of Uncertain Significance. While this variant is not present in population databases, the frequency information is unreliable, as metrics indicate poor data quality at this position in the ExAC database. This variant, c.714_719delCGGCCC, results in the deletion of 2 amino acids of the SMARCA4 protein (p.Gly243_Pro244del), but otherwise preserves the integrity of the reading frame. This variant has not been reported in the literature in individuals with SMARCA4-related disease. Experimental studies and prediction algorithms are not available for this variant, and the functional significance of the deleted amino acids is currently unknown.